The following is an entry in ClinVar:

ClinVar aggregate classification (germline): Uncertain significance (1 of 4 stars; one submission).

Conditions:
Hypertrophic cardiomyopathy. Also called: HYPERTROPHIC MYOCARDIOPATHY. Identifiers: Orphanet 217569, MedGen C0007194, MeSH D002312, MONDO:0005045, HP:0001639.

Submission:

Labcorp Genetics (formerly Invitae), Labcorp
Classification: Uncertain significance for Hypertrophic cardiomyopathy. Last evaluated: 2020-07-29. Review status: criteria provided, single submitter. Criteria: Invitae Variant Classification Sherloc (09022015). Collection method: clinical testing. Allele origin: germline.
Comment: In summary, the available evidence is currently insufficient to determine the role of this variant in disease. Therefore, it has been classified as a Variant of Uncertain Significance. Experimental studies and prediction algorithms are not available or were not evaluated, and the functional significance of this variant is currently unknown. This variant has not been reported in the literature in individuals with MYOM1-related conditions. This variant is not present in population databases (ExAC no frequency). This variant, c.715_717del, results in the deletion of 1 amino acid(s) of the MYOM1 protein (p.Lys239del), but otherwise preserves the integrity of the reading frame.

NM_003803.4(MYOM1):c.712AAG[1] (p.Lys239del)

Gene: MYOM1 (myomesin 1; minus strand). Cytogenetic location: 18p11.31.
Variant type: Microsatellite.
Coding change: c.712AAG[1] on transcript NM_003803.4 (MANE Select); one copy of the 3-base unit AAG starting at c.712; the reference has two copies in a row; one copy, 3 bases deleted.
Protein change: p.Lys239del; deletes lysine 239.
Molecular consequence: inframe deletion.
Genome position (GRCh38, 1-based): chr18:3,188,802-3,188,804, CTT deleted on the plus strand (AAG on the coding strand, the reverse complement: MYOM1 is on the minus strand); deleting any 3 consecutive bases within chr18:3,188,802-3,188,807 gives the same sequence; the position shown is the placement nearest the transcript's 3' end. VCF-style (leftmost placement, unchanged base first): chr18-3188801-ACTT-A. GRCh37 (hg19) VCF-style: chr18-3188799-ACTT-A.
Other names: c.712AAG[1], p.Lys239del (NM_019856.2); short protein forms K239del.
Identifiers: ClinVar variation 1043134 (VCV001043134.8), dbSNP rs2080860533, ClinGen allele CA502809904.